The following is an entry in ClinVar:

NM_014363.6(SACS):c.96_105dup (p.Glu36fs)

Genes: SACS (sacsin molecular chaperone; minus strand), LOC130009366 (ATAC-STARR-seq lymphoblastoid silent region 5172; plus strand). Cytogenetic location: 13q12.12.
Variant type: Duplication.
Coding change: c.96_105dup on transcript NM_014363.6 (MANE Select); coding-DNA positions 96 to 105, 10 bases duplicated (CGATGTGAAG; older notation c.96_105dupCGATGTGAAG).
Protein change: p.Glu36fs; shifts the reading frame from glutamic acid 36.
Molecular consequence: frameshift variant. On other transcripts: 5 prime UTR variant (1).
Genome position (GRCh38, 1-based): chr13:23,375,185-23,375,194, CTTCACATCG duplicated on the plus strand (CGATGTGAAG on the coding strand, the reverse complement: SACS is on the minus strand); duplicating any 10 consecutive bases within chr13:23,375,185-23,375,195 gives the same sequence; the c. name uses the placement nearest the transcript's 3' end. VCF-style (leftmost placement, unchanged base first): chr13-23375184-C-CCTTCACATCG. GRCh37 (hg19) VCF-style: chr13-23949323-C-CCTTCACATCG.
Other names: c.-258_-249dup (NM_001278055.2); short protein forms E36fs.
Identifiers: ClinVar variation 2989233 (VCV002989233.3), dbSNP rs1871673221, ClinGen allele CA954044340.

ClinVar aggregate classification (germline): Pathogenic (1 of 4 stars; one submission).

Conditions:
Spastic paraplegia. Identifiers: MedGen C0037772, HP:0001258.

Submission:

Labcorp Genetics (formerly Invitae), Labcorp
Classification: Pathogenic for Spastic paraplegia. Last evaluated: 2023-01-19. Review status: criteria provided, single submitter. Criteria: Invitae Variant Classification Sherloc (09022015). Collection method: clinical testing. Allele origin: germline.
Comment: This sequence change creates a premature translational stop signal (p.Glu36Argfs*28) in the SACS gene. It is expected to result in an absent or disrupted protein product. Loss-of-function variants in SACS are known to be pathogenic (PMID: 18465152, 20876471). This variant is not present in population databases (gnomAD no frequency). This variant has not been reported in the literature in individuals affected with SACS-related conditions. For these reasons, this variant has been classified as Pathogenic.

Literature cited by the submitters: PubMed 18465152; PubMed 20876471.